The following is an entry in ClinVar:

ClinVar aggregate classification (germline): Likely benign. Review status: criteria provided, multiple submitters, no conflicts (2 of 4 stars). 2 submissions from 2 submitters: Likely benign (2). Last evaluated 2025-07-30.

Conditions:
Marfan syndrome (MFS). Also called: Marfan syndrome, classic; Marfan syndrome type 1; Marfan's syndrome; MARFAN SYNDROME, TYPE I; FBN1-Related Marfan Syndrome. Identifiers: Orphanet 284963, Orphanet 558, MedGen C0024796, MONDO:0007947, OMIM 154700.
Familial thoracic aortic aneurysm and aortic dissection (TAAD). Also called: Thoracic aortic aneurysms and dissections. Identifiers: Orphanet 91387, MedGen C4707243, MONDO:0019625.

Allele frequency attached by ClinVar (database versions not stated): gnomAD exomes 0.00002 and 0.00001; gnomAD 0.00001; TOPMed 0.00002.
gnomAD v4.1: 13 of 1,613,962 alleles (0.00081%); highest among the groups gnomAD compares: Non-Finnish European, 0.001%; no homozygotes.

Submissions (2):

Labcorp Genetics (formerly Invitae), Labcorp
Classification: Likely benign for Marfan syndrome; Familial thoracic aortic aneurysm and aortic dissection. Last evaluated: 2025-07-30. Review status: criteria provided, single submitter. Criteria: Invitae Variant Classification Sherloc (09022015). Collection method: clinical testing. Allele origin: germline.

GeneDx
Classification: Likely benign. Last evaluated: 2015-12-11. Review status: criteria provided, single submitter. Criteria: GeneDx Variant Classification (06012015). Collection method: clinical testing. Allele origin: germline. Affected: yes.
Comment: This variant is considered likely benign or benign based on one or more of the following criteria: it is a conservative change, it occurs at a poorly conserved position in the protein, it is predicted to be benign by multiple in silico algorithms, and/or has population frequency not consistent with disease.

NM_000138.5(FBN1):c.3464-19C>G

Gene: FBN1 (fibrillin 1; minus strand). Cytogenetic location: 15q21.1.
Variant type: single nucleotide variant.
Coding change: c.3464-19C>G on transcript NM_000138.5 (MANE Select); 19 bases into the intron before coding-DNA position 3464, C replaced by G.
Molecular consequence: intron variant.
Genome position (GRCh38, 1-based): chr15:48,487,219, G>C on the plus strand (C>G on the coding strand, the complement: FBN1 is on the minus strand). VCF-style: chr15-48487219-G-C. GRCh37 (hg19) VCF-style: chr15-48779416-G-C.
Identifiers: ClinVar variation 382261 (VCV000382261.4), dbSNP rs928322808, ClinGen allele CA16606710.